The following is an entry in ClinVar:

NM_000363.5(TNNI3):c.55A>C (p.Ile19Leu)

Gene: TNNI3 (troponin I3, cardiac type; minus strand). Cytogenetic location: 19q13.42.
Variant type: single nucleotide variant.
Coding change: c.55A>C on transcript NM_000363.5 (MANE Select); coding-DNA position 55, A replaced by C.
Protein change: p.Ile19Leu; replaces isoleucine 19 with leucine.
Molecular consequence: missense variant.
Genome position (GRCh38, 1-based): chr19:55,157,103, T>G on the plus strand (A>C on the coding strand, the complement: TNNI3 is on the minus strand). VCF-style: chr19-55157103-T-G. GRCh37 (hg19) VCF-style: chr19-55668471-T-G.
Other names: short protein forms I19L.
Identifiers: ClinVar variation 1332097 (VCV001332097.7), dbSNP rs755862334, ClinGen allele CA407443121.

ClinVar aggregate classification (germline): Uncertain significance. Review status: criteria provided, multiple submitters, no conflicts (2 of 4 stars). 4 submissions from 4 submitters: Uncertain significance (4). Last evaluated 2024-07-20.

Conditions:
Cardiomyopathy (CMYO). Also called: Cardiomyopathies. Identifiers: Orphanet 167848, MedGen C0878544, MONDO:0004994, HP:0001638. Inheritance: Various modes of inheritance.
Cardiovascular phenotype. Identifiers: MedGen CN230736.
Hypertrophic cardiomyopathy. Also called: HYPERTROPHIC MYOCARDIOPATHY. Identifiers: Orphanet 217569, MedGen C0007194, MeSH D002312, MONDO:0005045, HP:0001639.

gnomAD v4.1: 3 of 1,603,020 alleles (0.00019%); highest among the groups gnomAD compares: Admixed American, 0.0052%; no homozygotes.

Submissions (4):

All of Us Research Program, National Institutes of Health
Classification: Uncertain significance for Hypertrophic cardiomyopathy. Last evaluated: 2024-07-20. Review status: criteria provided, single submitter. Criteria: ACMG Guidelines, 2015. Collection method: clinical testing. Allele origin: germline. Inheritance: Autosomal dominant inheritance. Observed: 2 variant alleles, 2 heterozygotes.
Comment: This missense variant replaces isoleucine with leucine at codon 19 of the TNNI3 protein. Computational prediction suggests that this variant may not impact protein structure and function (internally defined REVEL score threshold <= 0.5, PMID: 27666373). To our knowledge, functional studies have not been reported for this variant. This variant has not been reported in individuals affected with cardiovascular disorders in the literature. This variant has been identified in 2/227684 chromosomes in the general population by the Genome Aggregation Database (gnomAD). The available evidence is insufficient to determine the role of this variant in disease conclusively. Therefore, this variant is classified as a Variant of Uncertain Significance.

This study involves interpretation of variants in research participants for the purpose of population health screening. Participant phenotype was not available at the time of variant classification. Additional details can be found in publication PMID: 35346344, PMCID: PMC8962531

Color Diagnostics, LLC DBA Color Health
Classification: Uncertain significance for Cardiomyopathy. Last evaluated: 2024-03-06. Review status: criteria provided, single submitter. Criteria: ACMG Guidelines, 2015. Collection method: clinical testing. Allele origin: germline.
Comment: This missense variant replaces isoleucine with leucine at codon 19 of the TNNI3 protein. Computational prediction suggests that this variant may not impact protein structure and function (internally defined REVEL score threshold <= 0.5, PMID: 27666373). To our knowledge, functional studies have not been reported for this variant. This variant has not been reported in individuals affected with cardiovascular disorders in the literature. This variant has been identified in 2/227684 chromosomes in the general population by the Genome Aggregation Database (gnomAD). The available evidence is insufficient to determine the role of this variant in disease conclusively. Therefore, this variant is classified as a Variant of Uncertain Significance.

Labcorp Genetics (formerly Invitae), Labcorp
Classification: Uncertain significance for Hypertrophic cardiomyopathy. Last evaluated: 2023-09-12. Review status: criteria provided, single submitter. Criteria: Invitae Variant Classification Sherloc (09022015). Collection method: clinical testing. Allele origin: germline.
Comment: In summary, the available evidence is currently insufficient to determine the role of this variant in disease. Therefore, it has been classified as a Variant of Uncertain Significance. Experimental studies and prediction algorithms are not available or were not evaluated, and the functional significance of this variant is currently unknown. ClinVar contains an entry for this variant (Variation ID: 1332097). This variant has not been reported in the literature in individuals affected with TNNI3-related conditions. This variant is present in population databases (no rsID available, gnomAD 0.007%). This sequence change replaces isoleucine, which is neutral and non-polar, with leucine, which is neutral and non-polar, at codon 19 of the TNNI3 protein (p.Ile19Leu).

Ambry Genetics
Classification: Uncertain significance for Cardiovascular phenotype. Last evaluated: 2022-03-14. Review status: criteria provided, single submitter. Criteria: Ambry Variant Classification Scheme 2023. Collection method: clinical testing. Allele origin: germline.
Comment: The p.I19L variant (also known as c.55A>C), located in coding exon 3 of the TNNI3 gene, results from an A to C substitution at nucleotide position 55. The isoleucine at codon 19 is replaced by leucine, an amino acid with highly similar properties. This amino acid position is conserved. In addition, this alteration is predicted to be tolerated by in silico analysis. Since supporting evidence is limited at this time, the clinical significance of this alteration remains unclear.